The following is an entry in ClinVar:

NM_001244008.2(KIF1A):c.4464G>A (p.Glu1488=)

Gene: KIF1A (kinesin family member 1A; minus strand). Cytogenetic location: 2q37.3.
Variant type: single nucleotide variant.
Coding change: c.4464G>A on transcript NM_001244008.2 (MANE Select); coding-DNA position 4464, G replaced by A.
Protein change: p.Glu1488=; no amino-acid change (glutamic acid 1488 retained).
Molecular consequence: synonymous variant.
Genome position (GRCh38, 1-based): chr2:240,723,413, C>T on the plus strand (G>A on the coding strand, the complement: KIF1A is on the minus strand). VCF-style: chr2-240723413-C-T. GRCh37 (hg19) VCF-style: chr2-241662830-C-T.
Other names: c.4188G>A, p.Glu1396= (NM_001320705.2, NM_001379649.1); c.4215G>A, p.Glu1405= (NM_001330289.2); c.4263G>A, p.Glu1421= (NM_001330290.2, NM_001379648.1); c.4539G>A, p.Glu1513= (NM_001379631.1); c.4440G>A, p.Glu1480= (NM_001379632.1); c.4437G>A, p.Glu1479= (NM_001379633.1, NM_001379645.1); c.4290G>A, p.Glu1430= (NM_001379634.1); c.4287G>A, p.Glu1429= (NM_001379635.1, NM_001379646.1); and 7 more.
Identifiers: ClinVar variation 3757758 (VCV003757758.2).

ClinVar aggregate classification (germline): Uncertain significance (1 of 4 stars; one submission).

Conditions:
Neuropathy, hereditary sensory, type 2C. Also called: KIF1A-Related HSAN2 (HSAN2C); Hereditary sensory and autonomic neuropathy type IIC. Identifiers: Orphanet 970, MedGen C3280168, MONDO:0013634, OMIM 614213.
Hereditary spastic paraplegia 30. Identifiers: Orphanet 101010, MedGen C5235139, MONDO:0012476.
Intellectual disability, autosomal dominant 9 (NESCAVS). Also called: KIF1A-Related Neurodevelopmental Disorder; NESCAV SYNDROME. Identifiers: Orphanet 662367, MedGen C5393830, MONDO:0013656, OMIM 614255.

gnomAD v4.1: 6 of 1,546,238 alleles (0.00039%); highest among the groups gnomAD compares: East Asian, 0.0024%; no homozygotes.

Submission:

Labcorp Genetics (formerly Invitae), Labcorp
Classification: Uncertain significance for Hereditary spastic paraplegia 30; Neuropathy, hereditary sensory, type 2C; Intellectual disability, autosomal dominant 9. Last evaluated: 2024-08-20. Review status: criteria provided, single submitter. Criteria: Invitae Variant Classification Sherloc (09022015). Collection method: clinical testing. Allele origin: germline.
Comment: This sequence change affects codon 1387 of the KIF1A mRNA. It is a 'silent' change, meaning that it does not change the encoded amino acid sequence of the KIF1A protein. This variant also falls at the last nucleotide of exon 39, which is part of the consensus splice site for this exon. This variant is present in population databases (no rsID available, gnomAD 0.01%). This variant has not been reported in the literature in individuals affected with KIF1A-related conditions. Variants that disrupt the consensus splice site are a relatively common cause of aberrant splicing (PMID: 17576681, 9536098). Algorithms developed to predict the effect of sequence changes on RNA splicing suggest that this variant may disrupt the consensus splice site. In summary, the available evidence is currently insufficient to determine the role of this variant in disease. Therefore, it has been classified as a Variant of Uncertain Significance.

Literature cited by the submitters: PubMed 17576681; PubMed 9536098.